The following is an entry in ClinVar:

ClinVar aggregate classification (germline): Likely benign (1 of 4 stars; one submission).

Submission:

CeGaT Center for Human Genetics Tuebingen
Classification: Likely benign. Last evaluated: 2022-09-01. Review status: criteria provided, single submitter. Criteria: CeGaT Center For Human Genetics Tuebingen Variant Classification Criteria Version 2. Collection method: clinical testing. Allele origin: germline. Affected: yes. Observed: 1 variant allele.
Comment: TUBGCP5: PM2:Supporting, BP4, BP7

NM_052903.6(TUBGCP5):c.2022A>T (p.Ser674=)

Gene: TUBGCP5 (tubulin gamma complex component 5; minus strand). Cytogenetic location: 15q11.2.
Variant type: single nucleotide variant.
Coding change: c.2022A>T on transcript NM_052903.6 (MANE Select); coding-DNA position 2022, A replaced by T.
Protein change: p.Ser674=; no amino-acid change (serine 674 retained).
Molecular consequence: synonymous variant. On other transcripts: non-coding transcript variant (1).
Genome position (GRCh38, 1-based): chr15:23,010,067, T>A on the plus strand (A>T on the coding strand, the complement: TUBGCP5 is on the minus strand). VCF-style: chr15-23010067-T-A. GRCh37 (hg19) VCF-style: chr15-22863001-A-T.
Other names: c.2022A>T, p.Ser674= (NM_001102610.2, NM_001354373.2, NM_001354375.2 and 1 more transcripts); c.2025A>T, p.Ser675= (NM_001354372.2, NM_001354377.2, NM_001354378.2); c.1980A>T, p.Ser660= (NM_001354374.2).
Identifiers: ClinVar variation 2644942 (VCV002644942.24), dbSNP rs17137283, ClinGen allele CA488530326.
Genomic context (GRCh38, chr15:23,010,067, plus strand): 5'-ATGAGGATAGAGGCAGGATCTCAGCGTTAATTCAAAAGTCTGGCATGTCACAGATTCCGA[T>A]GATCTATCCACACATACATCACCACCAGCAAACTTCTCGTGAAAGTCACTCTGCTCCAAA-3'
Protein context (NP_443135.3, residues 664-684): FAGGDVCVDR[Ser674=]SESVTCQTFE